The following is an entry in ClinVar:

ClinVar aggregate classification (germline): Pathogenic/Likely pathogenic. Review status: criteria provided, multiple submitters, no conflicts (2 of 4 stars). 3 submissions from 3 submitters: Pathogenic (1); Likely pathogenic (1). 1 of the submissions does not count toward it. Last evaluated 2025-01-02.

Conditions:
Cardiac anomalies - developmental delay - facial dysmorphism syndrome (MRFACD). Also called: MED13L Syndrome; Impaired intellectual development and distinctive facial features with or without cardiac defects. Identifiers: Orphanet 369891, MedGen C5192431, MONDO:0014773, OMIM 616789.
Kabuki-like syndrome.

Submissions (3):

GeneDx
Classification: Pathogenic. Last evaluated: 2025-01-02. Review status: criteria provided, single submitter. Criteria: GeneDx Variant Classification Process June 2021. Collection method: clinical testing. Allele origin: germline. Affected: yes.
Comment: Not observed at significant frequency in large population cohorts (gnomAD); In silico analysis supports that this missense variant has a deleterious effect on protein structure/function; This variant is associated with the following publications: (PMID: 29511999, 35982159, 36798993, 33057194, 39257968)

3billion
Classification: Likely pathogenic for Cardiac anomalies - developmental delay - facial dysmorphism syndrome. Last evaluated: 2022-09-01. Review status: criteria provided, single submitter. Criteria: ACMG Guidelines, 2015. Collection method: clinical testing. Allele origin: germline. Affected: yes. Observed: 1 heterozygote.
Comment: The variant is not observed in the gnomAD v2.1.1 dataset. It is located in a mutational hot spot and/or well-established functional domain in which established pathogenic variants have been reported. In silico tool predictions suggest damaging effect of the variant on gene or gene product (REVEL: 0.89; 3Cnet: 0.95). The variant has been previously reported to be associated with MED13L-related disorder (ClinVar ID: VCV000431916). Therefore, this variant is classified as Likely pathogenic according to the recommendation of ACMG/AMP guideline.

Autoinflammatory diseases unit, CHU de Montpellier
Classification: Likely pathogenic for Kabuki-like syndrome. Last evaluated: 2018-02-19. Review status: no assertion criteria provided. Collection method: clinical testing. Allele origin: de novo. Affected: yes. Not counted in ClinVar's aggregate classification.

NM_015335.5(MED13L):c.2597C>T (p.Pro866Leu)

Gene: MED13L (mediator complex subunit 13L; minus strand). Cytogenetic location: 12q24.21.
Variant type: single nucleotide variant.
Coding change: c.2597C>T on transcript NM_015335.5 (MANE Select); coding-DNA position 2597, C replaced by T.
Protein change: p.Pro866Leu; replaces proline 866 with leucine.
Molecular consequence: missense variant.
Genome position (GRCh38, 1-based): chr12:115,997,203, G>A on the plus strand (C>T on the coding strand, the complement: MED13L is on the minus strand). VCF-style: chr12-115997203-G-A. GRCh37 (hg19) VCF-style: chr12-116435008-G-A.
Other names: short protein forms P866L.
Identifiers: ClinVar variation 431916 (VCV000431916.8), dbSNP rs1555246145, ClinGen allele CA386890866.